The following is an entry in ClinVar:

NM_006269.2(RP1):c.6209A>G (p.Asn2070Ser)

Gene: RP1 (RP1 axonemal microtubule associated; plus strand). Cytogenetic location: 8q12.1.
Variant type: single nucleotide variant.
Coding change: c.6209A>G on transcript NM_006269.2 (MANE Select); coding-DNA position 6209, A replaced by G.
Protein change: p.Asn2070Ser; replaces asparagine 2070 with serine.
Molecular consequence: missense variant. On other transcripts: intron variant (1).
Genome position (GRCh38, 1-based): chr8:54,630,091, A>G. VCF-style: chr8-54630091-A-G. GRCh37 (hg19) VCF-style: chr8-55542651-A-G.
Other names: c.787+7803A>G (NM_001375654.1); c.6209A>G (NM_006269.1); short protein forms N2070S.
Identifiers: ClinVar variation 4900514 (VCV004900514.2).

ClinVar aggregate classification (germline): Uncertain significance. Review status: criteria provided, multiple submitters, no conflicts (2 of 4 stars). 2 submissions from 2 submitters: Uncertain significance (2). Last evaluated 2026-07-06.

Conditions:
Inborn genetic diseases. Identifiers: MedGen C0950123, MeSH D030342.

gnomAD v4.1: 1 of 1,613,978 alleles (0.000062%); highest among the groups gnomAD compares: South Asian, 0.0011%; no homozygotes.

Submissions (2):

Ambry Genetics
Classification: Uncertain significance for Inborn genetic diseases. Last evaluated: 2026-07-06. Review status: criteria provided, single submitter. Criteria: Ambry Variant Classification Scheme 2023. Collection method: clinical testing. Allele origin: germline.
Comment: The c.6209A>G (p.N2070S) alteration is located in exon 4 (coding exon 3) of the RP1 gene. This alteration results from a A to G substitution at nucleotide position 6209, causing the asparagine (N) at amino acid position 2070 to be replaced by a serine (S). Based on data from gnomAD, the G allele has an overall frequency of <0.001% (1/250862) total alleles studied. The highest observed frequency was 0.003% (1/30592) of South Asian alleles. Based on insufficient or conflicting evidence, the clinical significance of this alteration remains unclear.

Blueprint Genetics
Classification: Uncertain significance. Last evaluated: 2022-11-18. Review status: criteria provided, single submitter. Criteria: ACMG Guidelines, 2015. Collection method: clinical testing. Allele origin: germline.